The following is an entry in ClinVar:

ClinVar aggregate classification (germline): Likely pathogenic. Review status: criteria provided, multiple submitters, no conflicts (2 of 4 stars). 3 submissions from 3 submitters: Likely pathogenic (3). Last evaluated 2025-10-15.

Conditions:
Pheochromocytoma/paraganglioma syndrome 5. Also called: Paragangliomas 5; SDHA-Related Hereditary Paraganglioma-Pheochromocytoma Syndrome. Identifiers: Orphanet 29072, MedGen C3279992, MONDO:0013602, OMIM 614165.
Mitochondrial complex II deficiency, nuclear type 1. Also called: SUCCINATE CoQ REDUCTASE DEFICIENCY. Identifiers: Orphanet 3208, MedGen C5700310, MONDO:0100294, OMIM 252011.
Hereditary cancer-predisposing syndrome. Also called: Tumor predisposition; Neoplastic Syndromes, Hereditary; Hereditary Cancer Syndrome; Hereditary neoplastic syndrome. Identifiers: Orphanet 140162, MedGen C0027672, MeSH D009386, MONDO:0015356.

Submissions (3):

Labcorp Genetics (formerly Invitae), Labcorp
Classification: Likely pathogenic for Pheochromocytoma/paraganglioma syndrome 5; Mitochondrial complex II deficiency, nuclear type 1. Last evaluated: 2025-10-15. Review status: criteria provided, single submitter. Criteria: Invitae Variant Classification Sherloc (09022015). Collection method: clinical testing. Allele origin: germline.
Comment: This sequence change affects a splice site in intron 1 of the SDHA gene. It is expected to disrupt RNA splicing. Variants that disrupt the donor or acceptor splice site typically lead to a loss of protein function (PMID: 16199547), and loss-of-function variants in SDHA are known to be pathogenic (PMID: 22974104, 24781757). This variant is not present in population databases (gnomAD no frequency). This variant has not been reported in the literature in individuals affected with SDHA-related conditions. ClinVar contains an entry for this variant (Variation ID: 654216). Algorithms developed to predict the effect of sequence changes on RNA splicing suggest that this variant may disrupt the consensus splice site. In summary, the currently available evidence indicates that the variant is pathogenic, but additional data are needed to prove that conclusively. Therefore, this variant has been classified as Likely Pathogenic.

Ambry Genetics
Classification: Likely pathogenic for Hereditary cancer-predisposing syndrome. Last evaluated: 2025-03-06. Review status: criteria provided, single submitter. Criteria: Ambry Variant Classification Scheme 2023. Collection method: clinical testing. Allele origin: germline.
Comment: The c.63+2delT intronic variant, located after coding exon 1 of the SDHA gene, results from a deletion of one nucleotide at position c.63+2. This variant is considered to be rare based on population cohorts in the Genome Aggregation Database (gnomAD). This nucleotide position is highly conserved in available vertebrate species. In silico splice site analysis predicts that this alteration will weaken the native splice donor site and will result in the creation or strengthening of a novel splice donor site; however, direct evidence is insufficient at this time (Ambry internal data). Alterations that disrupt the canonical splice site are expected to cause aberrant splicing, resulting in an abnormal protein or a transcript that is subject to nonsense-mediated mRNA decay. As such, this alteration is classified as likely pathogenic.

Myriad Genetics, Inc.
Classification: Likely pathogenic for Pheochromocytoma/paraganglioma syndrome 5. Last evaluated: 2024-02-07. Review status: criteria provided, single submitter. Criteria: Myriad Autosomal Dominant, Autosomal Recessive and X-Linked Classification Criteria (2023). Collection method: clinical testing. Allele origin: unknown.
Comment: This variant is considered likely pathogenic. This variant occurs within a consensus splice junction and is predicted to result in abnormal mRNA splicing of either an out-of-frame exon or an in-frame exon necessary for protein stability and/or normal function.

Literature cited by the submitters: PubMed 16199547 (cited by Labcorp Genetics (formerly Invitae), Labcorp); PubMed 22974104 (cited by Labcorp Genetics (formerly Invitae), Labcorp); PubMed 24781757 (cited by Labcorp Genetics (formerly Invitae), Labcorp).

NM_004168.4(SDHA):c.63+2del

Gene: SDHA (succinate dehydrogenase complex flavoprotein subunit A; plus strand). Cytogenetic location: 5p15.33.
Variant type: Deletion.
Coding change: c.63+2del on transcript NM_004168.4 (MANE Select); the canonical splice donor site of the intron after coding-DNA position 63, one base deleted (T; older notation c.63+2delT).
Molecular consequence: splice donor variant.
Genome position (GRCh38, 1-based): chr5:218,420, T deleted. VCF-style (leftmost placement, unchanged base first): chr5-218419-GT-G. GRCh37 (hg19) VCF-style: chr5-218534-GT-G.
Other names: c.63+2del (NM_001330758.2, NM_001294332.2).
Identifiers: ClinVar variation 654216 (VCV000654216.9), dbSNP rs1579369969, ClinGen allele CA915943298.